The following is an entry in ClinVar:

NM_001904.4(CTNNB1):c.94G>T (p.Asp32Tyr)

Genes: CTNNB1 (catenin beta 1; plus strand), LOC126806658 (BRD4-independent group 4 enhancer GRCh37_chr3:41265899-41267098; plus strand). Cytogenetic location: 3p22.1.
Variant type: single nucleotide variant.
Coding change: c.94G>T on transcript NM_001904.4 (MANE Select); coding-DNA position 94, G replaced by T.
Protein change: p.Asp32Tyr; replaces aspartic acid 32 with tyrosine.
Molecular consequence: missense variant.
Genome position (GRCh38, 1-based): chr3:41,224,606, G>T. VCF-style: chr3-41224606-G-T. GRCh37 (hg19) VCF-style: chr3-41266097-G-T.
Other names: c.94G>T, p.Asp32Tyr (NM_001098209.2, NM_001098210.2); c.73G>T, p.Asp25Tyr (NM_001330729.2); short protein forms D32Y, D25Y.
Identifiers: ClinVar variation 17581 (VCV000017581.5), dbSNP rs28931588, ClinGen allele CA127271.

ClinVar aggregate classification (germline): Pathogenic; other. Review status: no assertion criteria provided (0 of 4 stars). 3 submissions from 2 submitters: Pathogenic (2). Last evaluated 2016-05-01.
ClinVar aggregate classification (somatic clinical impact): Tier I - Strong. Review status: criteria provided, single submitter (1 of 4 stars). 2 submissions from 1 submitter. Last evaluated 2025-05-12.
ClinVar aggregate classification (oncogenicity): Oncogenic (1 of 4 stars; one submission).

Conditions:
Pilomatrixoma (PTR). Also called: Pilomatricoma, somatic; EPITHELIOMA CALCIFICANS OF MALHERBE; PILOMATRICOMA. Identifiers: Orphanet 91414, MedGen C0206711, MeSH D018296, MONDO:0007564, OMIM 132600, HP:0030434.
Hepatoblastoma. Identifiers: Orphanet 449, MedGen C0206624, MONDO:0018666, HP:0002884.
Medulloblastoma (MDB). Also called: Medulloblastoma, somatic; MEDULLOBLASTOMA PREDISPOSITION SYNDROME. Identifiers: Orphanet 616, MedGen C0025149, MeSH D008527, MONDO:0007959, OMIM 155255, HP:0002885.
Medulloblastoma WNT activated. Identifiers: MedGen C4331965, MONDO:0850196.
Adamantinous craniopharyngioma. Identifiers: MedGen C0431129, MONDO:0002787.
Neoplasm. Also called: Neoplasms; Neoplasm (disease); tumor. Identifiers: MedGen C0027651, MeSH D009369, MONDO:0005070, HP:0002664.

Submissions (6):

Institute for Genomic Medicine (IGM) Clinical Laboratory, Nationwide Children's Hospital
Classification: Tier I - Strong for Medulloblastoma WNT activated. Assertion type: diagnostic. Clinical significance: supports diagnosis. Last evaluated: 2025-05-12. Review status: criteria provided, single submitter. Criteria: AMP/ASCO/CAP Guidelines, 2017. Collection method: clinical testing. Allele origin: somatic. Affected: yes.
Comment: Variant has Tier I (strong) clinical significance as a diagnostic inclusion criterion in medulloblastoma WNT activated, based on the following evidence: 1) Documented in one or more cancer databases (e.g., St. Jude Pecan, COSMIC, CIViC, OncoKB). 2) Appears in one or more well-established professional guidelines (e.g., World Health Organization [WHO]; National Comprehensive Cancer Network [NCCN]) as providing diagnostic, prognostic, or therapeutic information. 3) Information in the literature supports potential biologic effect of variant (PMID: 29435196). 4) Diagnostic for a specific tumor type/classification according to professional guidelines (Evidence Level A; PMIDs: 28726821, 21163964, 22832581, 22832583, 22722829, 22820256).

Center for Genomic Medicine, Rigshospitalet, Copenhagen University Hospital
Classification: Oncogenic for Neoplasm. Last evaluated: 2025-03-04. Review status: criteria provided, single submitter. Criteria: ClinGen/CGC/VICC Guidelines for Oncogenicity, 2022. Collection method: clinical testing. Allele origin: somatic. Affected: yes.

Institute for Genomic Medicine (IGM) Clinical Laboratory, Nationwide Children's Hospital
Classification: Tier I - Strong for Adamantinous craniopharyngioma. Assertion type: diagnostic. Clinical significance: supports diagnosis. Last evaluated: 2023-07-05. Review status: criteria provided, single submitter. Criteria: AMP/ASCO/CAP Guidelines, 2017. Collection method: clinical testing. Allele origin: somatic. Affected: yes.
Comment: Variant has Tier I (strong) clinical significance as a diagnostic inclusion criterion in adamantinous craniopharyngioma, based on the following evidence: 1) Documented in one or more cancer databases (e.g., St. Jude Pecan, COSMIC, CIViC, OncoKB). 2) Appears in one or more well-established professional guidelines (e.g., World Health Organization [WHO]; National Comprehensive Cancer Network [NCCN]) as providing diagnostic, prognostic, or therapeutic information. 3) Information in the literature supports potential biologic effect of variant (PMID: 29435196). 4) Diagnostic for a specific tumor type/classification according to professional guidelines (Evidence Level A; PMIDs: 12466115, 24413733, 28069929).

Donald Williams Parsons Laboratory, Baylor College of Medicine
Classification: other for MEDULLOBLASTOMA. Last evaluated: 2016-05-01. Review status: no assertion criteria provided. Collection method: clinical testing. Allele origin: somatic. Inheritance: Somatic mutation. Affected: yes. Study: CSER-BASIC3.

OMIM
Classification: Pathogenic for HEPATOBLASTOMA, SOMATIC. Last evaluated: 2014-08-26. Review status: no assertion criteria provided. Collection method: literature only. Allele origin: somatic.

OMIM
Classification: Pathogenic for PILOMATRICOMA, SOMATIC. Last evaluated: 1999-04-01. Review status: no assertion criteria provided. Collection method: literature only. Allele origin: somatic.

Literature cited by the submitters: PubMed 29435196 (cited by Institute for Genomic Medicine (IGM) Clinical Laboratory, Nationwide Children's Hospital); PubMed 28726821 (cited by Institute for Genomic Medicine (IGM) Clinical Laboratory, Nationwide Children's Hospital); PubMed 21163964 (cited by Institute for Genomic Medicine (IGM) Clinical Laboratory, Nationwide Children's Hospital); PubMed 22832581 (cited by Institute for Genomic Medicine (IGM) Clinical Laboratory, Nationwide Children's Hospital); PubMed 22832583 (cited by Institute for Genomic Medicine (IGM) Clinical Laboratory, Nationwide Children's Hospital); PubMed 22722829 (cited by Institute for Genomic Medicine (IGM) Clinical Laboratory, Nationwide Children's Hospital); PubMed 22820256 (cited by Institute for Genomic Medicine (IGM) Clinical Laboratory, Nationwide Children's Hospital); PubMed 9635572 (cited by Center for Genomic Medicine, Rigshospitalet, Copenhagen University Hospital); PubMed 11943721 (cited by Center for Genomic Medicine, Rigshospitalet, Copenhagen University Hospital); PubMed 11731417 (cited by Center for Genomic Medicine, Rigshospitalet, Copenhagen University Hospital); PubMed 10072352 (cited by Center for Genomic Medicine, Rigshospitalet, Copenhagen University Hospital); PubMed 9721853 (cited by Center for Genomic Medicine, Rigshospitalet, Copenhagen University Hospital); PubMed 9927029 (cited by Center for Genomic Medicine, Rigshospitalet, Copenhagen University Hospital and OMIM); PubMed 10192393 (cited by Center for Genomic Medicine, Rigshospitalet, Copenhagen University Hospital and OMIM); PubMed 15064718 (cited by Center for Genomic Medicine, Rigshospitalet, Copenhagen University Hospital); PubMed 10987273 (cited by Center for Genomic Medicine, Rigshospitalet, Copenhagen University Hospital); PubMed 12466115 (cited by Institute for Genomic Medicine (IGM) Clinical Laboratory, Nationwide Children's Hospital); PubMed 24413733 (cited by Institute for Genomic Medicine (IGM) Clinical Laboratory, Nationwide Children's Hospital); PubMed 28069929 (cited by Institute for Genomic Medicine (IGM) Clinical Laboratory, Nationwide Children's Hospital); PubMed 26822237 (cited by Donald Williams Parsons Laboratory, Baylor College of Medicine).